The following is an entry in ClinVar:

ClinVar aggregate classification (germline): Uncertain significance (1 of 4 stars; one submission).

Allele frequency attached by ClinVar (database versions not stated): gnomAD exomes below 0.00001.
gnomAD v4.1: 4 of 1,614,070 alleles (0.00025%); highest among the groups gnomAD compares: South Asian, 0.0044%; no homozygotes.

Submission:

Ambry Genetics
Classification: Uncertain significance. Last evaluated: 2021-06-23. Review status: criteria provided, single submitter. Criteria: Ambry Variant Classification Scheme 2023. Collection method: clinical testing. Allele origin: germline.
Comment: The p.K90E variant (also known as c.268A>G), located in coding exon 3 of the NQO1 gene, results from an A to G substitution at nucleotide position 268. The lysine at codon 90 is replaced by glutamic acid, an amino acid with similar properties. This amino acid position is conserved. In addition, this alteration is predicted to be tolerated by in silico analysis. Since supporting evidence is limited at this time, the clinical significance of this alteration remains unclear.

NM_000903.3(NQO1):c.268A>G (p.Lys90Glu)

Gene: NQO1 (NAD(P)H quinone dehydrogenase 1; minus strand). Cytogenetic location: 16q22.1.
Variant type: single nucleotide variant.
Coding change: c.268A>G on transcript NM_000903.3 (MANE Select); coding-DNA position 268, A replaced by G.
Protein change: p.Lys90Glu; replaces lysine 90 with glutamic acid.
Molecular consequence: missense variant.
Genome position (GRCh38, 1-based): chr16:69,718,158, T>C on the plus strand (A>G on the coding strand, the complement: NQO1 is on the minus strand). VCF-style: chr16-69718158-T-C. GRCh37 (hg19) VCF-style: chr16-69752061-T-C.
Other names: c.268A>G, p.Lys90Glu (NM_001025433.2, NM_001025434.2, NM_001286137.2); short protein forms K90E.
Identifiers: ClinVar variation 1794770 (VCV001794770.2), dbSNP rs2544332298, ClinGen allele CA396489885.